The following is an entry in ClinVar:

NM_003054.6(SLC18A2):c.107T>C (p.Leu36Pro)

Genes: SLC18A2-AS1 (SLC18A2 antisense RNA 1; minus strand), SLC18A2 (solute carrier family 18 member A2; plus strand). Cytogenetic location: 10q25.3.
Variant type: single nucleotide variant.
Coding change: c.107T>C on transcript NM_003054.6 (MANE Select); coding-DNA position 107, T replaced by C.
Protein change: p.Leu36Pro; replaces leucine 36 with proline.
Molecular consequence: missense variant.
Genome position (GRCh38, 1-based): chr10:117,241,800, T>C. VCF-style: chr10-117241800-T-C. GRCh37 (hg19) VCF-style: chr10-119001311-T-C.
Other names: short protein forms L36P.
Identifiers: ClinVar variation 2051409 (VCV002051409.4), dbSNP rs2493527291, ClinGen allele CA378507381.

ClinVar aggregate classification (germline): Uncertain significance (1 of 4 stars; one submission).

Allele frequency attached by ClinVar (database versions not stated): gnomAD exomes below 0.00001.
gnomAD v4.1: 1 of 1,607,852 alleles (0.000062%); highest among the groups gnomAD compares: Non-Finnish European, 0.000085%; no homozygotes.

Submission:

Labcorp Genetics (formerly Invitae), Labcorp
Classification: Uncertain significance. Last evaluated: 2025-12-01. Review status: criteria provided, single submitter. Criteria: Invitae Variant Classification Sherloc (09022015). Collection method: clinical testing. Allele origin: germline.
Comment: This sequence change replaces leucine, which is neutral and non-polar, with proline, which is neutral and non-polar, at codon 36 of the SLC18A2 protein (p.Leu36Pro). This variant is not present in population databases (gnomAD no frequency). This variant has not been reported in the literature in individuals affected with SLC18A2-related conditions. ClinVar contains an entry for this variant (Variation ID: 2051409). An algorithm developed to predict the effect of missense changes on protein structure and function (PolyPhen-2) suggests that this variant is likely to be disruptive. In summary, the available evidence is currently insufficient to determine the role of this variant in disease. Therefore, it has been classified as a Variant of Uncertain Significance.